The following is an entry in ClinVar:

NM_000553.6(WRN):c.725-4C>T

Gene: WRN (WRN RecQ like helicase; plus strand). Cytogenetic location: 8p12.
Variant type: single nucleotide variant.
Coding change: c.725-4C>T on transcript NM_000553.6 (MANE Select); 4 bases into the intron before coding-DNA position 725, C replaced by T.
Molecular consequence: intron variant.
Genome position (GRCh38, 1-based): chr8:31,076,169, C>T. VCF-style: chr8-31076169-C-T. GRCh37 (hg19) VCF-style: chr8-30933685-C-T.
Identifiers: ClinVar variation 528217 (VCV000528217.11), dbSNP rs1051733127, ClinGen allele CA4704154.

ClinVar aggregate classification (germline): Likely benign. Review status: criteria provided, multiple submitters, no conflicts (2 of 4 stars). 2 submissions from 2 submitters: Likely benign (2). Last evaluated 2025-07-30.

Conditions:
Werner syndrome (WRN). Identifiers: Orphanet 902, MedGen C0043119, MONDO:0010196, OMIM 277700.
WRN-related disorder. Also called: WRN-related condition.

Allele frequency attached by ClinVar (database versions not stated): ExAC 0.00001; gnomAD exomes 0.00001; gnomAD 0.00002; TOPMed 0.00002.
gnomAD v4.1: 12 of 1,609,340 alleles (0.00075%); highest among the groups gnomAD compares: Middle Eastern, 0.033%; no homozygotes.

Submissions (2):

Labcorp Genetics (formerly Invitae), Labcorp
Classification: Likely benign for Werner syndrome. Last evaluated: 2025-07-30. Review status: criteria provided, single submitter. Criteria: Invitae Variant Classification Sherloc (09022015). Collection method: clinical testing. Allele origin: germline.

PreventionGenetics, part of Exact Sciences
Classification: Likely benign for WRN-related condition. Last evaluated: 2024-12-02. Review status: criteria provided, single submitter. Criteria: ACMG Guidelines, 2015. Collection method: clinical testing. Allele origin: germline.
Comment: This variant is classified as likely benign based on ACMG/AMP sequence variant interpretation guidelines (Richards et al. 2015 PMID: 25741868, with internal and published modifications).